The following is an entry in ClinVar:

ClinVar aggregate classification (germline): Uncertain significance (1 of 4 stars; one submission).

Conditions:
Inborn genetic diseases. Identifiers: MedGen C0950123, MeSH D030342.

gnomAD v4.1: 3 of 1,596,360 alleles (0.00019%); highest among the groups gnomAD compares: Non-Finnish European, 0.00026%; no homozygotes.

Submission:

Ambry Genetics
Classification: Uncertain significance for Inborn genetic diseases. Last evaluated: 2025-01-19. Review status: criteria provided, single submitter. Criteria: Ambry Variant Classification Scheme 2023. Collection method: clinical testing. Allele origin: germline.
Comment: The p.Q174E variant (also known as c.520C>G), located in coding exon 5 of the FANCA gene, results from a C to G substitution at nucleotide position 520. The glutamine at codon 174 is replaced by glutamic acid, an amino acid with highly similar properties. This amino acid position is conserved. In addition, this alteration is predicted to be tolerated by in silico analysis. Based on the available evidence, the clinical significance of this variant remains unclear.

NM_000135.4(FANCA):c.520C>G (p.Gln174Glu)

Gene: FANCA (FA complementation group A; minus strand). Cytogenetic location: 16q24.3.
Variant type: single nucleotide variant.
Coding change: c.520C>G on transcript NM_000135.4 (MANE Select); coding-DNA position 520, C replaced by G.
Protein change: p.Gln174Glu; replaces glutamine 174 with glutamic acid.
Molecular consequence: missense variant. On other transcripts: intron variant (1).
Genome position (GRCh38, 1-based): chr16:89,810,709, G>C on the plus strand (C>G on the coding strand, the complement: FANCA is on the minus strand). VCF-style: chr16-89810709-G-C. GRCh37 (hg19) VCF-style: chr16-89877117-G-C.
Other names: c.520C>G, p.Gln174Glu (NM_001018112.3, NM_001286167.3); c.426+220C>G (NM_001351830.2); short protein forms Q174E.
Identifiers: ClinVar variation 3848127 (VCV003848127.1).